The following is an entry in ClinVar:

ClinVar aggregate classification (germline): Uncertain significance (1 of 4 stars; one submission).

Submission:

Dasa
Classification: Uncertain significance. Last evaluated: 2024-07-15. Review status: criteria provided, single submitter. Criteria: DASA Assertion Criteria. Collection method: clinical testing. Allele origin: germline.
Comment: NM_032242.4(PLXNA1):c.3886T>C (p.Cys1296Arg) is a missense variant that results in the substitution of cysteine with arginine. This variant is rare in population databases. The currently available literature and clinical evidence are not sufficient to establish a definitive association between this variant and the reported condition. Therefore, this variant is classified as a variant of uncertain significance.

NM_032242.4(PLXNA1):c.3886T>C (p.Cys1296Arg)

Gene: PLXNA1 (plexin A1; plus strand). Cytogenetic location: 3q21.3.
Variant type: single nucleotide variant.
Coding change: c.3886T>C on transcript NM_032242.4 (MANE Select); coding-DNA position 3886, T replaced by C.
Protein change: p.Cys1296Arg; replaces cysteine 1296 with arginine.
Molecular consequence: missense variant.
Genome position (GRCh38, 1-based): chr3:127,018,519, T>C. VCF-style: chr3-127018519-T-C. GRCh37 (hg19) VCF-style: chr3-126737362-T-C.
Other names: short protein forms C1296R.
Identifiers: ClinVar variation 4882098 (VCV004882098.2).